The following is an entry in ClinVar:

NM_000214.3(JAG1):c.140G>C (p.Gly47Ala)

Gene: JAG1 (jagged canonical Notch ligand 1; minus strand). Cytogenetic location: 20p12.2.
Variant type: single nucleotide variant.
Coding change: c.140G>C on transcript NM_000214.3 (MANE Select); coding-DNA position 140, G replaced by C.
Protein change: p.Gly47Ala; replaces glycine 47 with alanine.
Molecular consequence: missense variant.
Genome position (GRCh38, 1-based): chr20:10,672,948, C>G on the plus strand (G>C on the coding strand, the complement: JAG1 is on the minus strand). VCF-style: chr20-10672948-C-G. GRCh37 (hg19) VCF-style: chr20-10653596-C-G.
Other names: short protein forms G47A.
Identifiers: ClinVar variation 3573417 (VCV003573417.2).

Conditions:
Arteriohepatic dysplasia. Also called: Alagille Syndrome. Identifiers: Orphanet 52, MedGen C0085280, MeSH D016738, MONDO:0007318.

gnomAD v4.1: 1 of 1,613,016 alleles (0.000062%); highest among the groups gnomAD compares: Non-Finnish European, 0.000085%; no homozygotes.

Submission:

Gilbert/Spinner Lab, Children's Hospital of Philadelphia
No classification provided (evidence only). Condition: Alagille syndrome. Review status: no classification provided. Collection method: research. Allele origin: not applicable. Functional consequence: functionally_abnormal.
ClinVar note: "not provided" was previously submitted as the classification for the variant. However, the classification appeared to be based only on an observation of functional data so it was converted to no classification on 2025-07-30.